The following is an entry in ClinVar:

NM_007279.3(U2AF2):c.527G>T (p.Gly176Val)

Gene: U2AF2 (U2 small nuclear RNA auxiliary factor 2; plus strand). Cytogenetic location: 19q13.42.
Variant type: single nucleotide variant.
Coding change: c.527G>T on transcript NM_007279.3 (MANE Select); coding-DNA position 527, G replaced by T.
Protein change: p.Gly176Val; replaces glycine 176 with valine.
Molecular consequence: missense variant.
Genome position (GRCh38, 1-based): chr19:55,662,542, G>T. VCF-style: chr19-55662542-G-T. GRCh37 (hg19) VCF-style: chr19-56173908-G-T.
Other names: c.527G>T, p.Gly176Val (NM_001012478.2); short protein forms G176V.
Identifiers: ClinVar variation 3342390 (VCV003342390.1).

ClinVar aggregate classification (germline): Uncertain significance (1 of 4 stars; one submission).

Submission:

GeneDx
Classification: Uncertain significance. Last evaluated: 2022-02-04. Review status: criteria provided, single submitter. Criteria: GeneDx Variant Classification Process June 2021. Collection method: clinical testing. Allele origin: germline. Affected: yes.
Comment: Not observed at significant frequency in large population cohorts (gnomAD); In silico analysis supports that this missense variant does not alter protein structure/function; Has not been previously published as pathogenic or benign to our knowledge; Variants in candidate genes are classified as variants of uncertain significance in accordance with ACMG guidelines (Richards et al., 2015)